The following is an entry in ClinVar:

ClinVar aggregate classification (germline): Uncertain significance. Review status: criteria provided, multiple submitters, no conflicts (2 of 4 stars). 2 submissions from 2 submitters: Uncertain significance (2). Last evaluated 2025-02-21.

Conditions:
Inborn genetic diseases. Identifiers: MedGen C0950123, MeSH D030342.

Allele frequency attached by ClinVar (database versions not stated): gnomAD exomes below 0.00001; ExAC 0.00002; gnomAD 0.00002; TOPMed 0.00003; ESP Exome Variant Server 0.00008.
gnomAD v4.1: 9 of 1,614,058 alleles (0.00056%); highest among the groups gnomAD compares: Non-Finnish European, 0.00059%; no homozygotes.

Submissions (2):

Ambry Genetics
Classification: Uncertain significance for Inborn genetic diseases. Last evaluated: 2025-02-21. Review status: criteria provided, single submitter. Criteria: Ambry Variant Classification Scheme 2023. Collection method: clinical testing. Allele origin: germline.

Labcorp Genetics (formerly Invitae), Labcorp
Classification: Uncertain significance. Last evaluated: 2022-07-07. Review status: criteria provided, single submitter. Criteria: Invitae Variant Classification Sherloc (09022015). Collection method: clinical testing. Allele origin: germline.
Comment: This sequence change replaces lysine, which is basic and polar, with threonine, which is neutral and polar, at codon 8 of the ESCO2 protein (p.Lys8Thr). This variant is present in population databases (rs146504750, gnomAD 0.003%). This variant has not been reported in the literature in individuals affected with ESCO2-related conditions. Algorithms developed to predict the effect of missense changes on protein structure and function are either unavailable or do not agree on the potential impact of this missense change (SIFT: "Deleterious"; PolyPhen-2: "Probably Damaging"; Align-GVGD: "Class C0"). In summary, the available evidence is currently insufficient to determine the role of this variant in disease. Therefore, it has been classified as a Variant of Uncertain Significance.

NM_001017420.3(ESCO2):c.23A>C (p.Lys8Thr)

Gene: ESCO2 (establishment of sister chromatid cohesion N-acetyltransferase 2; plus strand). Cytogenetic location: 8p21.1.
Variant type: single nucleotide variant.
Coding change: c.23A>C on transcript NM_001017420.3 (MANE Select); coding-DNA position 23, A replaced by C.
Protein change: p.Lys8Thr; replaces lysine 8 with threonine.
Molecular consequence: missense variant.
Genome position (GRCh38, 1-based): chr8:27,775,537, A>C. VCF-style: chr8-27775537-A-C. GRCh37 (hg19) VCF-style: chr8-27633054-A-C.
Other names: c.23A>C (NM_001017420.2); short protein forms K8T.
Identifiers: ClinVar variation 2165401 (VCV002165401.2), dbSNP rs146504750, ClinGen allele CA4691977.